The following is an entry in ClinVar:

NM_001164665.2(KIAA1549):c.4102A>G (p.Ile1368Val)

Gene: KIAA1549 (KIAA1549; minus strand). Cytogenetic location: 7q34.
Variant type: single nucleotide variant.
Coding change: c.4102A>G on transcript NM_001164665.2 (MANE Select); coding-DNA position 4102, A replaced by G.
Protein change: p.Ile1368Val; replaces isoleucine 1368 with valine.
Molecular consequence: missense variant.
Genome position (GRCh38, 1-based): chr7:138,881,515, T>C on the plus strand (A>G on the coding strand, the complement: KIAA1549 is on the minus strand). VCF-style: chr7-138881515-T-C. GRCh37 (hg19) VCF-style: chr7-138566261-T-C.
Other names: c.4102A>G, p.Ile1368Val (NM_020910.3); short protein forms I1368V.
Identifiers: ClinVar variation 1006313 (VCV001006313.4), dbSNP rs1423632158, ClinGen allele CA369377515.

ClinVar aggregate classification (germline): Uncertain significance (1 of 4 stars; one submission).

Allele frequency attached by ClinVar (database versions not stated): TOPMed 0.00001.
gnomAD v4.1: 6 of 1,613,928 alleles (0.00037%); highest among the groups gnomAD compares: Non-Finnish European, 0.00042%; no homozygotes.

Submission:

Labcorp Genetics (formerly Invitae), Labcorp
Classification: Uncertain significance. Last evaluated: 2022-07-11. Review status: criteria provided, single submitter. Criteria: Invitae Variant Classification Sherloc (09022015). Collection method: clinical testing. Allele origin: germline.
Comment: In summary, the available evidence is currently insufficient to determine the role of this variant in disease. Therefore, it has been classified as a Variant of Uncertain Significance. Algorithms developed to predict the effect of missense changes on protein structure and function (SIFT, PolyPhen-2, Align-GVGD) all suggest that this variant is likely to be tolerated. ClinVar contains an entry for this variant (Variation ID: 1006313). This variant has not been reported in the literature in individuals affected with KIAA1549-related conditions. This variant is present in population databases (no rsID available, gnomAD 0.007%). This sequence change replaces isoleucine, which is neutral and non-polar, with valine, which is neutral and non-polar, at codon 1368 of the KIAA1549 protein (p.Ile1368Val).